The following is an entry in ClinVar:

NM_006269.2(RP1):c.2660A>T (p.His887Leu)

Gene: RP1 (RP1 axonemal microtubule associated; plus strand). Cytogenetic location: 8q12.1.
Variant type: single nucleotide variant.
Coding change: c.2660A>T on transcript NM_006269.2 (MANE Select); coding-DNA position 2660, A replaced by T.
Protein change: p.His887Leu; replaces histidine 887 with leucine.
Molecular consequence: missense variant. On other transcripts: intron variant (1).
Genome position (GRCh38, 1-based): chr8:54,626,542, A>T. VCF-style: chr8-54626542-A-T. GRCh37 (hg19) VCF-style: chr8-55539102-A-T.
Other names: c.787+4254A>T (NM_001375654.1); short protein forms H887L.
Identifiers: ClinVar variation 2534087 (VCV002534087.4), dbSNP rs1375301055, ClinGen allele CA370994344.

ClinVar aggregate classification (germline): Uncertain significance. Review status: criteria provided, multiple submitters, no conflicts (2 of 4 stars). 3 submissions from 3 submitters: Uncertain significance (3). Last evaluated 2025-05-13.

Conditions:
Inborn genetic diseases. Identifiers: MedGen C0950123, MeSH D030342.

Submissions (3):

Labcorp Genetics (formerly Invitae), Labcorp
Classification: Uncertain significance. Last evaluated: 2025-05-13. Review status: criteria provided, single submitter. Criteria: Invitae Variant Classification Sherloc (09022015). Collection method: clinical testing. Allele origin: germline.
Comment: This sequence change replaces histidine, which is basic and polar, with leucine, which is neutral and non-polar, at codon 887 of the RP1 protein (p.His887Leu). This variant is not present in population databases (gnomAD no frequency). This variant has not been reported in the literature in individuals affected with RP1-related conditions. ClinVar contains an entry for this variant (Variation ID: 2534087). An algorithm developed to predict the effect of missense changes on protein structure and function (PolyPhen-2) suggests that this variant is likely to be tolerated. In summary, the available evidence is currently insufficient to determine the role of this variant in disease. Therefore, it has been classified as a Variant of Uncertain Significance.

Ambry Genetics
Classification: Uncertain significance for Inborn genetic diseases. Last evaluated: 2023-04-07. Review status: criteria provided, single submitter. Criteria: Ambry Variant Classification Scheme 2023. Collection method: clinical testing. Allele origin: germline.

Blueprint Genetics
Classification: Uncertain significance. Last evaluated: 2022-02-14. Review status: criteria provided, single submitter. Criteria: ACMG Guidelines, 2015. Collection method: clinical testing. Allele origin: germline.